The following is an entry in ClinVar:

NM_004260.4(RECQL4):c.3601del (p.Glu1201fs)

Gene: RECQL4 (RecQ like helicase 4; minus strand). Cytogenetic location: 8q24.3.
Variant type: Deletion.
Coding change: c.3601del on transcript NM_004260.4 (MANE Select); coding-DNA position 3601, one base deleted (G; older notation c.3601delG).
Protein change: p.Glu1201fs; shifts the reading frame from glutamic acid 1201.
Molecular consequence: frameshift variant. On other transcripts: non-coding transcript variant (3).
Genome position (GRCh38, 1-based): chr8:144,511,457, C deleted on the plus strand (G on the coding strand, the reverse complement: RECQL4 is on the minus strand); the first of 2 consecutive C bases (chr8:144,511,457-144,511,458); deleting either gives the same sequence. VCF-style (leftmost placement, unchanged base first): chr8-144511456-TC-T. GRCh37 (hg19) VCF-style: chr8-145736839-TC-T.
Other names: c.3307del, p.Glu1103fs (NM_001413017.1); c.3403del, p.Glu1135fs (NM_001413018.1); c.3676del, p.Glu1226fs (NM_001413019.1); c.3505del, p.Glu1169fs (NM_001413020.1); c.2530del, p.Glu844fs (NM_001413021.1, NM_001413022.1, NM_001413024.1 and 4 more transcripts); c.2605del, p.Glu869fs (NM_001413023.1); c.3472del, p.Glu1158fs (NM_001413025.1); c.2464del, p.Glu822fs (NM_001413027.1, NM_001413030.1, NM_001413032.1); and 9 more; short protein forms E1103fs, E1158fs, E1169fs, E1191fs, E1204fs, E1226fs, E1135fs, E822fs.
Identifiers: ClinVar variation 2885745 (VCV002885745.3), dbSNP rs2537958327, ClinGen allele CA2689127955.

ClinVar aggregate classification (germline): Uncertain significance (1 of 4 stars; one submission).

Conditions:
Baller-Gerold syndrome (BGS). Also called: CRANIOSYNOSTOSIS WITH RADIAL DEFECTS. Identifiers: Orphanet 1225, MedGen C0265308, MONDO:0009039, OMIM 218600.

Submission:

Labcorp Genetics (formerly Invitae), Labcorp
Classification: Uncertain significance for Baller-Gerold syndrome. Last evaluated: 2023-03-24. Review status: criteria provided, single submitter. Criteria: Invitae Variant Classification Sherloc (09022015). Collection method: clinical testing. Allele origin: germline.
Comment: This variant has not been reported in the literature in individuals affected with RECQL4-related conditions. This variant is not present in population databases (gnomAD no frequency). This sequence change results in a frameshift in the RECQL4 gene (p.Glu1201Lysfs*18). While this is not anticipated to result in nonsense mediated decay, it is expected to disrupt the last 8 amino acid(s) of the RECQL4 protein and extend the protein by 9 additional amino acid residues. Experimental studies and prediction algorithms are not available or were not evaluated, and the functional significance of this variant is currently unknown. In summary, the available evidence is currently insufficient to determine the role of this variant in disease. Therefore, it has been classified as a Variant of Uncertain Significance.